The following is an entry in ClinVar:

NM_016122.3(CEP83):c.417+3A>G

Gene: CEP83 (centrosomal protein 83; minus strand). Cytogenetic location: 12q22.
Variant type: single nucleotide variant.
Coding change: c.417+3A>G on transcript NM_016122.3 (MANE Select); 3 bases into the intron after coding-DNA position 417, A replaced by G.
Molecular consequence: intron variant.
Genome position (GRCh38, 1-based): chr12:94,403,167, T>C on the plus strand (A>G on the coding strand, the complement: CEP83 is on the minus strand). VCF-style: chr12-94403167-T-C. GRCh37 (hg19) VCF-style: chr12-94796943-T-C.
Other names: c.417+3A>G (NM_001346457.2, NM_001042399.2, NM_001368038.1 and 3 more transcripts); c.105+3A>G (NM_001346459.2, NM_001346458.2, NM_001368040.1 and 2 more transcripts); c.324+8530A>G (NM_001368041.1); c.12+8530A>G (NM_001368042.1).
Identifiers: ClinVar variation 707130 (VCV000707130.34), dbSNP rs181264654, ClinGen allele CA6721957.

ClinVar aggregate classification (germline): Conflicting classifications of pathogenicity. Review status: criteria provided, conflicting classifications (1 of 4 stars). 4 submissions from 4 submitters: Uncertain significance (1); Likely benign (3). Last evaluated 2026-03-01.

Conditions:
Nephronophthisis 18 (NPHP18). Identifiers: Orphanet 655, MedGen C3890591, MONDO:0014374, OMIM 615862.

Allele frequency attached by ClinVar (database versions not stated): 1000 Genomes Project 0.00040; 1000 Genomes Project 30x 0.00078; ExAC 0.00133; gnomAD exomes 0.00140 and 0.00251; ESP Exome Variant Server 0.00160; TOPMed 0.00162; gnomAD 0.00183 and 0.00187.
gnomAD v4.1: 3,469 of 1,426,846 alleles (0.24%); highest among the groups gnomAD compares: Non-Finnish European, 0.31%; 6 homozygotes.

Submissions (4):

CeGaT Center for Human Genetics Tuebingen
Classification: Likely benign. Last evaluated: 2026-03-01. Review status: criteria provided, single submitter. Criteria: CeGaT Center For Human Genetics Tuebingen Variant Classification Criteria Version 2. Collection method: clinical testing. Allele origin: germline. Affected: yes. Observed: 2 variant alleles.
Comment: CEP83: BP4

Labcorp Genetics (formerly Invitae), Labcorp
Classification: Likely benign for Nephronophthisis 18. Last evaluated: 2026-02-01. Review status: criteria provided, single submitter. Criteria: Invitae Variant Classification Sherloc (09022015). Collection method: clinical testing. Allele origin: germline.

GeneDx
Classification: Uncertain significance. Last evaluated: 2024-12-03. Review status: criteria provided, single submitter. Criteria: GeneDx Variant Classification Process June 2021. Collection method: clinical testing. Allele origin: germline.
Comment: In silico analysis indicates that this variant does not alter splicing; Has not been previously published as pathogenic or benign to our knowledge

Blueprint Genetics
Classification: Likely benign. Last evaluated: 2024-11-26. Review status: criteria provided, single submitter. Criteria: ACMG Guidelines, 2015. Collection method: clinical testing. Allele origin: germline.